The following is an entry in ClinVar:

NM_000565.4(IL6R):c.55G>A (p.Ala19Thr)

Genes: IL6R-AS1 (IL6R antisense RNA 1; minus strand), IL6R (interleukin 6 receptor; plus strand). Cytogenetic location: 1q21.3.
Variant type: single nucleotide variant.
Coding change: c.55G>A on transcript NM_000565.4 (MANE Select); coding-DNA position 55, G replaced by A.
Protein change: p.Ala19Thr; replaces alanine 19 with threonine.
Molecular consequence: missense variant.
Genome position (GRCh38, 1-based): chr1:154,405,684, G>A. VCF-style: chr1-154405684-G-A. GRCh37 (hg19) VCF-style: chr1-154378160-G-A.
Other names: c.55G>A, p.Ala19Thr (NM_001206866.2, NM_001382769.1, NM_001382770.1 and 5 more transcripts); c.55G>A (NM_000565.3); short protein forms A19T.
Identifiers: ClinVar variation 1373809 (VCV001373809.18), dbSNP rs758469371, ClinGen allele CA1128902.

ClinVar aggregate classification (germline): Uncertain significance. Review status: criteria provided, multiple submitters, no conflicts (2 of 4 stars). 3 submissions from 3 submitters: Uncertain significance (3). Last evaluated 2024-12-03.

Allele frequency attached by ClinVar (database versions not stated): gnomAD exomes 0.00008 and 0.00011; gnomAD 0.00012; TOPMed 0.00014.
gnomAD v4.1: 131 of 1,526,892 alleles (0.0086%); highest among the groups gnomAD compares: Admixed American, 0.02%; no homozygotes.

Submissions (3):

Ambry Genetics
Classification: Uncertain significance. Last evaluated: 2024-12-03. Review status: criteria provided, single submitter. Criteria: Ambry Variant Classification Scheme 2023. Collection method: clinical testing. Allele origin: germline.

CeGaT Center for Human Genetics Tuebingen
Classification: Uncertain significance. Last evaluated: 2024-11-01. Review status: criteria provided, single submitter. Criteria: CeGaT Center For Human Genetics Tuebingen Variant Classification Criteria Version 2. Collection method: clinical testing. Allele origin: germline. Affected: yes. Observed: 1 variant allele.
Comment: IL6R: PM2

Labcorp Genetics (formerly Invitae), Labcorp
Classification: Uncertain significance. Last evaluated: 2022-06-17. Review status: criteria provided, single submitter. Criteria: Invitae Variant Classification Sherloc (09022015). Collection method: clinical testing. Allele origin: germline.
Comment: This sequence change replaces alanine, which is neutral and non-polar, with threonine, which is neutral and polar, at codon 19 of the IL6R protein (p.Ala19Thr). This variant is present in population databases (rs758469371, gnomAD 0.02%). This variant has not been reported in the literature in individuals affected with IL6R-related conditions. Algorithms developed to predict the effect of missense changes on protein structure and function output the following: SIFT: "Deleterious"; PolyPhen-2: "Not Available"; Align-GVGD: "Class C0". The threonine amino acid residue is found in multiple mammalian species, which suggests that this missense change does not adversely affect protein function. In summary, the available evidence is currently insufficient to determine the role of this variant in disease. Therefore, it has been classified as a Variant of Uncertain Significance.